The following is an entry in ClinVar:

ClinVar aggregate classification (germline): Uncertain significance (1 of 4 stars; one submission).

Conditions:
Brachyolmia-amelogenesis imperfecta syndrome. Also called: PLATYSPONDYLY WITH AMELOGENESIS IMPERFECTA; Tooth agenesis, selective, 6; Dental anomalies and short stature. Identifiers: Orphanet 2899, MedGen C1832594, MONDO:0011018, OMIM 601216. Disease mechanism: loss of function.

gnomAD v4.1: 6 of 1,406,822 alleles (0.00043%); highest among the groups gnomAD compares: Admixed American, 0.0031%; no homozygotes.

Submission:

Labcorp Genetics (formerly Invitae), Labcorp
Classification: Uncertain significance for Brachyolmia-amelogenesis imperfecta syndrome. Last evaluated: 2025-11-21. Review status: criteria provided, single submitter. Criteria: Invitae Variant Classification Sherloc (09022015). Collection method: clinical testing. Allele origin: germline.
Comment: This sequence change replaces glycine, which is neutral and non-polar, with valine, which is neutral and non-polar, at codon 44 of the LTBP3 protein (p.Gly44Val). This variant is not present in population databases (gnomAD no frequency). This variant has not been reported in the literature in individuals affected with LTBP3-related conditions. Experimental studies and prediction algorithms are not available or were not evaluated, and the functional significance of this variant is currently unknown. In summary, the available evidence is currently insufficient to determine the role of this variant in disease. Therefore, it has been classified as a Variant of Uncertain Significance.

NM_001130144.3(LTBP3):c.131G>T (p.Gly44Val)

Gene: LTBP3 (latent transforming growth factor beta binding protein 3; minus strand). Cytogenetic location: 11q13.1.
Variant type: single nucleotide variant.
Coding change: c.131G>T on transcript NM_001130144.3 (MANE Select); coding-DNA position 131, G replaced by T.
Protein change: p.Gly44Val; replaces glycine 44 with valine.
Molecular consequence: missense variant. On other transcripts: 5 prime UTR variant (1).
Genome position (GRCh38, 1-based): chr11:65,557,829, C>A on the plus strand (G>T on the coding strand, the complement: LTBP3 is on the minus strand). VCF-style: chr11-65557829-C-A. GRCh37 (hg19) VCF-style: chr11-65325300-C-A.
Other names: c.131G>T, p.Gly44Val (NM_021070.4); c.-217G>T (NM_001164266.1); short protein forms G44V.
Identifiers: ClinVar variation 4775124 (VCV004775124.1).